The following is an entry in ClinVar:

ClinVar aggregate classification (germline): Uncertain significance. Review status: criteria provided, multiple submitters, no conflicts (2 of 4 stars). 3 submissions from 3 submitters: Uncertain significance (3). Last evaluated 2025-10-15.

Conditions:
Early Myoclonic Encephalopathy. Identifiers: MedGen C0270855.

Allele frequency attached by ClinVar (database versions not stated): gnomAD 0.00024 and 0.00021; ExAC 0.00002; gnomAD exomes 0.00004 and 0.00002; ESP Exome Variant Server 0.00008; TOPMed 0.00029.
gnomAD v4.1: 58 of 1,611,824 alleles (0.0036%); highest among the groups gnomAD compares: African/African-American, 0.063%; 1 homozygote.

Submissions (3):

Labcorp Genetics (formerly Invitae), Labcorp
Classification: Uncertain significance for Early Myoclonic Encephalopathy. Last evaluated: 2025-10-15. Review status: criteria provided, single submitter. Criteria: Invitae Variant Classification Sherloc (09022015). Collection method: clinical testing. Allele origin: germline.
Comment: This sequence change replaces serine, which is neutral and polar, with leucine, which is neutral and non-polar, at codon 1638 of the JMJD1C protein (p.Ser1638Leu). This variant is present in population databases (rs143177790, gnomAD 0.06%), and has an allele count higher than expected for a pathogenic variant. This variant has not been reported in the literature in individuals affected with JMJD1C-related conditions. ClinVar contains an entry for this variant (Variation ID: 661359). Invitae Evidence Modeling of protein sequence and biophysical properties (such as structural, functional, and spatial information, amino acid conservation, physicochemical variation, residue mobility, and thermodynamic stability) indicates that this missense variant is not expected to disrupt JMJD1C protein function with a negative predictive value of 80%. In summary, the available evidence is currently insufficient to determine the role of this variant in disease. Therefore, it has been classified as a Variant of Uncertain Significance.

Ambry Genetics
Classification: Uncertain significance. Last evaluated: 2024-03-31. Review status: criteria provided, single submitter. Criteria: Ambry Variant Classification Scheme 2023. Collection method: clinical testing. Allele origin: germline.

New York Genome Center
Classification: Uncertain significance. Last evaluated: 2020-06-11. Review status: criteria provided, single submitter. Criteria: NYGC Assertion Criteria 2020. Collection method: clinical testing. Allele origin: inherited. Observed: 1 heterozygote. Study: CSER-NYCKidSeq.

NM_032776.3(JMJD1C):c.4913C>T (p.Ser1638Leu)

Gene: JMJD1C (jumonji domain containing 1C; minus strand). Cytogenetic location: 10q21.3.
Variant type: single nucleotide variant.
Coding change: c.4913C>T on transcript NM_032776.3 (MANE Select); coding-DNA position 4913, C replaced by T.
Protein change: p.Ser1638Leu; replaces serine 1638 with leucine.
Molecular consequence: missense variant. On other transcripts: non-coding transcript variant (1).
Genome position (GRCh38, 1-based): chr10:63,206,756, G>A on the plus strand (C>T on the coding strand, the complement: JMJD1C is on the minus strand). VCF-style: chr10-63206756-G-A. GRCh37 (hg19) VCF-style: chr10-64966516-G-A.
Other names: c.4367C>T, p.Ser1456Leu (NM_001282948.2, NM_001318154.2); c.4049C>T, p.Ser1350Leu (NM_001318153.2); c.4799C>T, p.Ser1600Leu (NM_001322252.2); c.4256C>T, p.Ser1419Leu (NM_001322254.2, NM_001322258.2); short protein forms S1350L, S1456L, S1419L, S1600L, S1638L.
Identifiers: ClinVar variation 661359 (VCV000661359.10), dbSNP rs143177790, ClinGen allele CA5518186.
Genomic context (GRCh38, chr10:63,206,756, plus strand): 5'-TGCAAATCATTTTGCTTCTTTTTGTAAGTTGGCTTAGGTTGTCTTTTAGTCCTTTGCTCT[G>A]ACTTGCTTTCACTTTCATCTGAGTCTCCACTTTCAGAGCCAGATTCATAAGTTCTTTTGG-3'
Protein context (NP_116165.1, residues 1628-1648): SGDSDESESK[Ser1638Leu]EQRTKRQPKP